The following is an entry in ClinVar:

ClinVar aggregate classification (germline): Uncertain significance (1 of 4 stars; one submission).

Submission:

Labcorp Genetics (formerly Invitae), Labcorp
Classification: Uncertain significance. Last evaluated: 2022-08-23. Review status: criteria provided, single submitter. Criteria: Invitae Variant Classification Sherloc (09022015). Collection method: clinical testing. Allele origin: germline.
Comment: This sequence change replaces valine, which is neutral and non-polar, with isoleucine, which is neutral and non-polar, at codon 1757 of the KMT2A protein (p.Val1757Ile). This variant is present in population databases (no rsID available, gnomAD 0.0009%). This variant has not been reported in the literature in individuals affected with KMT2A-related conditions. Advanced modeling of protein sequence and biophysical properties (such as structural, functional, and spatial information, amino acid conservation, physicochemical variation, residue mobility, and thermodynamic stability) performed at Invitae indicates that this missense variant is not expected to disrupt KMT2A protein function. In summary, the available evidence is currently insufficient to determine the role of this variant in disease. Therefore, it has been classified as a Variant of Uncertain Significance.

NM_001197104.2(KMT2A):c.5269G>A (p.Val1757Ile)

Gene: KMT2A (lysine methyltransferase 2A; plus strand). Cytogenetic location: 11q23.3.
Variant type: single nucleotide variant.
Coding change: c.5269G>A on transcript NM_001197104.2 (MANE Select); coding-DNA position 5269, G replaced by A.
Protein change: p.Val1757Ile; replaces valine 1757 with isoleucine.
Molecular consequence: missense variant.
Genome position (GRCh38, 1-based): chr11:118,494,378, G>A. VCF-style: chr11-118494378-G-A. GRCh37 (hg19) VCF-style: chr11-118365093-G-A.
Other names: c.5359G>A, p.Val1787Ile (NM_001412597.1); c.5260G>A, p.Val1754Ile (NM_005933.4); short protein forms V1787I, V1754I, V1757I.
Identifiers: ClinVar variation 2127415 (VCV002127415.4), dbSNP rs1555043363, ClinGen allele CA382837664.